The following is an entry in ClinVar:

ClinVar aggregate classification (germline): Uncertain significance (1 of 4 stars; one submission).

Submission:

Dasa
Classification: Uncertain significance. Last evaluated: 2025-12-05. Review status: criteria provided, single submitter. Criteria: DASA Assertion Criteria. Collection method: clinical testing. Allele origin: germline.
Comment: NM_000408.5(GPD2):c.875C>T (p.Pro292Leu) is a missense variant that results in the substitution of proline with leucine. This variant is absent from population databases. Computational prediction algorithms are consistent with a deleterious effect. The currently available literature and clinical evidence are not sufficient to establish a definitive association between this variant and the reported condition. Therefore, this variant is classified as a variant of uncertain significance.

NM_000408.5(GPD2):c.875C>T (p.Pro292Leu)

Gene: GPD2 (glycerol-3-phosphate dehydrogenase 2; plus strand). Cytogenetic location: 2q24.1.
Variant type: single nucleotide variant.
Coding change: c.875C>T on transcript NM_000408.5 (MANE Select); coding-DNA position 875, C replaced by T.
Protein change: p.Pro292Leu; replaces proline 292 with leucine.
Molecular consequence: missense variant.
Genome position (GRCh38, 1-based): chr2:156,550,650, C>T. VCF-style: chr2-156550650-C-T. GRCh37 (hg19) VCF-style: chr2-157407162-C-T.
Other names: c.875C>T, p.Pro292Leu (NM_001083112.3); short protein forms P292L.
Identifiers: ClinVar variation 4882054 (VCV004882054.2).